The following is an entry in ClinVar:

ClinVar aggregate classification (germline): Benign (1 of 4 stars; one submission).

Submission:

Unidad de Genómica Garrahan, Hospital de Pediatría Garrahan
Classification: Benign. Last evaluated: 2024-07-31. Review status: criteria provided, single submitter. Criteria: ACMG Guidelines, 2015. Collection method: clinical testing. Allele origin: germline. Affected: no. Observed: 19 variant alleles.
Comment: This variant is classified as Benign based on local population frequency. This variant was detected in 20% of patients studied in a panel designed for Epileptic and Developmental Encephalopathy, Progressive Myoclonus Epilepsy and Abnormal Movements and Neurodegeneration with brain iron accumulation. Number of patients: 19. Only high quality variants are reported.

NC_000009.12:g.32966630A>T

Variant type: single nucleotide variant.
Genome position: GRCh38 VCF-style: chr9-32966630-A-T. GRCh37 (hg19) VCF-style: chr9-32966628-A-T.
Identifiers: ClinVar variation 3256840 (VCV003256840.2).